The following is an entry in ClinVar:

NM_018896.5(CACNA1G):c.6059A>G (p.Asn2020Ser)

Gene: CACNA1G (calcium voltage-gated channel subunit alpha1 G; plus strand). Cytogenetic location: 17q21.33.
Variant type: single nucleotide variant.
Coding change: c.6059A>G on transcript NM_018896.5 (MANE Select); coding-DNA position 6059, A replaced by G.
Protein change: p.Asn2020Ser; replaces asparagine 2020 with serine.
Molecular consequence: missense variant. On other transcripts: intron variant (24).
Genome position (GRCh38, 1-based): chr17:50,621,793, A>G. VCF-style: chr17-50621793-A-G. GRCh37 (hg19) VCF-style: chr17-48699154-A-G.
Other names: c.6026A>G, p.Asn2009Ser (NM_198377.3); c.5846A>G, p.Asn1949Ser (NM_198383.3); c.5957A>G, p.Asn1986Ser (NM_198396.3); c.5803-2114A>G (NM_001256325.2); c.5892+1967A>G (NM_198380.3); c.5749-2114A>G (NM_198378.3, NM_001256334.2); c.5925+1967A>G (NM_198385.3); c.5782-2114A>G (NM_198384.3, NM_001256333.2); and 15 more; short protein forms N1949S, N1986S, N2009S, N2020S.
Identifiers: ClinVar variation 2662392 (VCV002662392.1), dbSNP rs2052141047, ClinGen allele CA400268369.

ClinVar aggregate classification (germline): Uncertain significance (1 of 4 stars; one submission).

Allele frequency attached by ClinVar (database versions not stated): gnomAD exomes below 0.00001; TOPMed below 0.00001.
gnomAD v4.1: 1 of 1,613,620 alleles (0.000062%); highest among the groups gnomAD compares: Non-Finnish European, 0.000085%; no homozygotes.

Submission:

GeneDx
Classification: Uncertain significance. Last evaluated: 2023-05-18. Review status: criteria provided, single submitter. Criteria: GeneDx Variant Classification Process June 2021. Collection method: clinical testing. Allele origin: germline. Affected: yes.
Comment: Not observed at significant frequency in large population cohorts (gnomAD); In silico analysis supports that this missense variant does not alter protein structure/function; Has not been previously published as pathogenic or benign to our knowledge